The following is an entry in ClinVar:

ClinVar aggregate classification (germline): Benign/Likely benign. Review status: criteria provided, multiple submitters, no conflicts (2 of 4 stars). 12 submissions from 12 submitters: Benign (2); Likely benign (10). Last evaluated 2026-05-15.

Conditions:
Hereditary cancer-predisposing syndrome. Also called: Tumor predisposition; Neoplastic Syndromes, Hereditary; Hereditary Cancer Syndrome; Hereditary neoplastic syndrome. Identifiers: Orphanet 140162, MedGen C0027672, MeSH D009386, MONDO:0015356.
Neurofibromatosis, type 1 (NF1). Also called: Peripheral type neurofibromatosis; Neurofibromatosis, type I; NEUROFIBROMATOSIS, TYPE I, SOMATIC; VON RECKLINGHAUSEN DISEASE. Identifiers: Orphanet 636, MedGen C0027831, MONDO:0018975, OMIM 162200. Disease mechanism: loss of function.

Allele frequency attached by ClinVar (database versions not stated): ExAC 0.00007; gnomAD exomes 0.00010 and 0.00020; TOPMed 0.00012; gnomAD 0.00013 and 0.00014; ESP Exome Variant Server 0.00015.
gnomAD v4.1: 314 of 1,613,762 alleles (0.019%); highest among the groups gnomAD compares: Non-Finnish European, 0.024%; 1 homozygote.

Submissions (12):

Myriad Genetics, Inc.
Classification: Benign for Neurofibromatosis, type 1. Last evaluated: 2026-05-15. Review status: criteria provided, single submitter. Criteria: Myriad Autosomal Dominant, Autosomal Recessive and X-Linked Classification Criteria (2023). Collection method: clinical testing. Allele origin: unknown.
Comment: This variant is considered benign. This variant is a silent/synonymous amino acid change and it is not expected to impact splicing.

CeGaT Center for Human Genetics Tuebingen
Classification: Likely benign. Last evaluated: 2026-03-01. Review status: criteria provided, single submitter. Criteria: CeGaT Center For Human Genetics Tuebingen Variant Classification Criteria Version 2. Collection method: clinical testing. Allele origin: germline. Affected: yes. Observed: 4 variant alleles.
Comment: NF1: BP4, BP7

Labcorp Genetics (formerly Invitae), Labcorp
Classification: Likely benign for Neurofibromatosis, type 1. Last evaluated: 2026-02-03. Review status: criteria provided, single submitter. Criteria: Invitae Variant Classification Sherloc (09022015). Collection method: clinical testing. Allele origin: germline.

Blueprint Genetics
Classification: Likely benign. Last evaluated: 2024-03-21. Review status: criteria provided, single submitter. Criteria: ACMG Guidelines, 2015. Collection method: clinical testing. Allele origin: germline.

Quest Diagnostics Nichols Institute San Juan Capistrano
Classification: Benign. Last evaluated: 2022-10-21. Review status: criteria provided, single submitter. Criteria: Quest Diagnostics criteria. Collection method: clinical testing. Allele origin: unknown.
Comment: The frequency of this variant in the general population is higher than would generally be expected for pathogenic variants in this gene. Computational tools yielded predictions that this variant is unlikely to have an effect on normal RNA splicing. This nucleotide position exhibits low evolutionary conservation.

Genome-Nilou Lab
Classification: Likely benign for Neurofibromatosis, type 1. Last evaluated: 2022-03-15. Review status: criteria provided, single submitter. Criteria: ACMG Guidelines, 2015. Collection method: clinical testing. Allele origin: germline. Affected: no.

Sema4
Classification: Likely benign for Hereditary cancer-predisposing syndrome. Last evaluated: 2021-05-16. Review status: criteria provided, single submitter. Criteria: Sema4 Curation Guidelines. Collection method: curation. Allele origin: germline.

GeneDx
Classification: Likely benign. Last evaluated: 2021-03-23. Review status: criteria provided, single submitter. Criteria: GeneDx Variant Classification Process June 2021. Collection method: clinical testing. Allele origin: germline. Affected: yes.

ARUP Laboratories, Molecular Genetics and Genomics, ARUP Laboratories
Classification: Likely benign. Last evaluated: 2020-12-02. Review status: criteria provided, single submitter. Criteria: ARUP Molecular Germline Variant Investigation Process 2021. Collection method: clinical testing. Allele origin: germline.

Women's Health and Genetics/Laboratory Corporation of America, LabCorp
Classification: Likely benign. Last evaluated: 2019-06-28. Review status: criteria provided, single submitter. Criteria: LabCorp Variant Classification Summary - May 2015. Collection method: clinical testing. Allele origin: germline.
Comment: Variant summary: NF1 c.2133C>T alters a non-conserved nucleotide resulting in a synonymous change. 5/5 computational tools predict no significant impact on normal splicing. However, these predictions have yet to be confirmed by functional studies. The variant allele was found at a frequency of 0.0001 in 251036 control chromosomes (gnomAD). This frequency is not higher than expected for a pathogenic variant in NF1 causing Neurofibromatosis Type 1 (0.0001 vs 0.00021), allowing no conclusion about variant significance. To our knowledge, no occurrence of c.2133C>T in individuals affected with Neurofibromatosis Type 1 and no experimental evidence demonstrating its impact on protein function have been reported. Two submitters have provided clinical-significance assessments for this variant to ClinVar after 2014 without evidence for independent evaluation and classified this variant as likely benign. Based on the evidence outlined above, the variant was classified as likely benign

Ambry Genetics
Classification: Likely benign for Hereditary cancer-predisposing syndrome. Last evaluated: 2014-09-10. Review status: criteria provided, single submitter. Criteria: Ambry Autosomal Dominant and X-Linked criteria (10/2015). Collection method: clinical testing. Allele origin: germline. Observed: 1 variant allele.

PreventionGenetics, part of Exact Sciences
Classification: Likely benign. Review status: criteria provided, single submitter. Criteria: ACMG Guidelines, 2015. Collection method: clinical testing. Allele origin: germline.

Literature cited by the submitters: PubMed 10678181 (cited by Women's Health and Genetics/Laboratory Corporation of America, LabCorp); PubMed 23460398 (cited by Women's Health and Genetics/Laboratory Corporation of America, LabCorp); PubMed 27069254 (cited by Women's Health and Genetics/Laboratory Corporation of America, LabCorp).

NM_001042492.3(NF1):c.2133C>T (p.Arg711=)

Gene: NF1 (neurofibromin 1; plus strand). Cytogenetic location: 17q11.2.
Variant type: single nucleotide variant.
Coding change: c.2133C>T on transcript NM_001042492.3 (MANE Select); coding-DNA position 2133, C replaced by T.
Protein change: p.Arg711=; no amino-acid change (arginine 711 retained).
Molecular consequence: synonymous variant.
Genome position (GRCh38, 1-based): chr17:31,226,566, C>T. VCF-style: chr17-31226566-C-T. GRCh37 (hg19) VCF-style: chr17-29553584-C-T.
Other names: c.2133C>T, p.Arg711= (NM_000267.4).
Identifiers: ClinVar variation 184381 (VCV000184381.51), dbSNP rs148085908, ClinGen allele CA188792.